The following is an entry in ClinVar:

NM_006158.5(NEFL):c.898GCC[1] (p.Ala301del)

Gene: NEFL (neurofilament light chain; minus strand). Cytogenetic location: 8p21.2.
Variant type: Microsatellite.
Coding change: c.898GCC[1] on transcript NM_006158.5 (MANE Select); one copy of the 3-base unit GCC starting at c.898; the reference has two copies in a row; one copy, 3 bases deleted.
Protein change: p.Ala301del; deletes alanine 301.
Molecular consequence: inframe deletion.
Genome position (GRCh38, 1-based): chr8:24,955,613-24,955,615, GGC deleted on the plus strand (GCC on the coding strand, the reverse complement: NEFL is on the minus strand); deleting any 3 consecutive bases within chr8:24,955,613-24,955,619 gives the same sequence; the position shown is the placement nearest the transcript's 3' end. VCF-style (leftmost placement, unchanged base first): chr8-24955612-TGGC-T. GRCh37 (hg19) VCF-style: chr8-24813126-TGGC-T.
Other names: short protein forms A301del.
Identifiers: ClinVar variation 1046823 (VCV001046823.3), dbSNP rs765310700, ClinGen allele CA4681418.

ClinVar aggregate classification (germline): Uncertain significance (1 of 4 stars; one submission).

Conditions:
Charcot-Marie-Tooth disease type 2E (CMT2E). Also called: CHARCOT-MARIE-TOOTH DISEASE, AXONAL, TYPE 2E; CHARCOT-MARIE-TOOTH NEUROPATHY, TYPE 2E. Identifiers: Orphanet 99939, MedGen C1843225, MONDO:0011894, OMIM 607684.

Submission:

Labcorp Genetics (formerly Invitae), Labcorp
Classification: Uncertain significance for Charcot-Marie-Tooth disease type 2E. Last evaluated: 2023-09-22. Review status: criteria provided, single submitter. Criteria: Invitae Variant Classification Sherloc (09022015). Collection method: clinical testing. Allele origin: germline.
Comment: Experimental studies and prediction algorithms are not available or were not evaluated, and the functional significance of this variant is currently unknown. In summary, the available evidence is currently insufficient to determine the role of this variant in disease. Therefore, it has been classified as a Variant of Uncertain Significance. This variant has not been reported in the literature in individuals affected with NEFL-related conditions. This variant is present in population databases (rs765310700, gnomAD 0.0009%). This variant, c.901_903del, results in the deletion of 1 amino acid(s) of the NEFL protein (p.Ala301del), but otherwise preserves the integrity of the reading frame.